The following is an entry in ClinVar:

NM_005068.3(SIM1):c.1302C>A (p.Cys434Ter)

Genes: SIM1 (SIM bHLH transcription factor 1; minus strand), SIM1-AS1 (SIM1 antisense RNA 1; plus strand). Cytogenetic location: 6q16.3.
Variant type: single nucleotide variant.
Coding change: c.1302C>A on transcript NM_005068.3 (MANE Select); coding-DNA position 1302, C replaced by A.
Protein change: p.Cys434Ter; replaces cysteine 434 with a stop codon.
Molecular consequence: nonsense.
Genome position (GRCh38, 1-based): chr6:100,393,755, G>T on the plus strand (C>A on the coding strand, the complement: SIM1 is on the minus strand). VCF-style: chr6-100393755-G-T. GRCh37 (hg19) VCF-style: chr6-100841631-G-T.
Other names: c.1302C>A, p.Cys434Ter (NM_001374769.1); short protein forms C434*.
Identifiers: ClinVar variation 2580107 (VCV002580107.4), dbSNP rs899526117, ClinGen allele CA144530504.

ClinVar aggregate classification (germline): Pathogenic/Likely pathogenic. Review status: criteria provided, multiple submitters, no conflicts (2 of 4 stars). 3 submissions from 3 submitters: Pathogenic (2); Likely pathogenic (1). Last evaluated 2025-11-24.

Conditions:
SIM1-related disorder. Also called: SIM1-related disorders; SIM1-related condition.
Inborn genetic diseases. Identifiers: MedGen C0950123, MeSH D030342.

Allele frequency attached by ClinVar (database versions not stated): gnomAD 0.00001; TOPMed 0.00001.
gnomAD v4.1: 11 of 1,614,072 alleles (0.00068%); highest among the groups gnomAD compares: Non-Finnish European, 0.00085%; no homozygotes.

Submissions (3):

GeneDx
Classification: Pathogenic. Last evaluated: 2025-11-24. Review status: criteria provided, single submitter. Criteria: GeneDx Variant Classification Process June 2021. Collection method: clinical testing. Allele origin: germline.
Comment: Nonsense variant predicted to result in protein truncation or nonsense mediated decay in a gene for which loss of function is a known mechanism of disease; Not observed at significant frequency in large population cohorts (gnomAD); Has not been previously published as pathogenic or benign to our knowledge

PreventionGenetics, part of Exact Sciences
Classification: Likely pathogenic for SIM1-related condition. Last evaluated: 2025-07-26. Review status: criteria provided, single submitter. Criteria: ACMG Guidelines, 2015. Collection method: clinical testing. Allele origin: germline.
Comment: The SIM1 c.1302C>A variant is predicted to result in premature protein termination (p.Cys434*). To our knowledge, this variant has not been reported in the literature. This variant is reported in 0.00077% of alleles in individuals of European (Non-Finnish) descent in gnomAD. Nonsense variants in SIM1 are expected to be pathogenic. This variant is interpreted as likely pathogenic.

Ambry Genetics
Classification: Pathogenic for Inborn genetic diseases. Last evaluated: 2025-07-23. Review status: criteria provided, single submitter. Criteria: Ambry Variant Classification Scheme 2023. Collection method: clinical testing. Allele origin: germline.
Comment: The c.1302C>A (p.C434*) alteration, located in exon 10 (coding exon 10) of the SIM1 gene, consists of a C to A substitution at nucleotide position 1302. This changes the amino acid from a cysteine (C) to a stop codon at amino acid position 434. This alteration is expected to result in loss of function by premature protein truncation or nonsense-mediated mRNA decay. Based on data from gnomAD, the A allele has an overall frequency of 0.001% (2/282646) total alleles studied. Based on the available evidence, this alteration is classified as pathogenic.